The following is an entry in ClinVar:

NM_006218.4(PIK3CA):c.2457T>G (p.Ile819Met)

Gene: PIK3CA (phosphatidylinositol-4,5-bisphosphate 3-kinase catalytic subunit alpha; plus strand). Cytogenetic location: 3q26.32.
Variant type: single nucleotide variant.
Coding change: c.2457T>G on transcript NM_006218.4 (MANE Select); coding-DNA position 2457, T replaced by G.
Protein change: p.Ile819Met; replaces isoleucine 819 with methionine.
Molecular consequence: missense variant.
Genome position (GRCh38, 1-based): chr3:179,226,002, T>G. VCF-style: chr3-179226002-T-G. GRCh37 (hg19) VCF-style: chr3-178943790-T-G.
Other names: short protein forms I819M.
Identifiers: ClinVar variation 2562483 (VCV002562483.2), dbSNP rs2473540930, ClinGen allele CA355274321.
Genomic context (GRCh38, chr3:179,226,002, plus strand): 5'-ACATATTATTTGAATTTCAGATTTACGGCAAGATATGCTAACACTTCAAATTATTCGTAT[T>G]ATGGAAAATATCTGGCAAAATCAAGGTCTTGATCTTCGGTAGGTAACCAGTAAGGCAACC-3'
Protein context (NP_006209.2, residues 809-829): QDMLTLQIIR[Ile819Met]MENIWQNQGL

ClinVar aggregate classification (germline): Uncertain significance (1 of 4 stars; one submission).

Conditions:
Inborn genetic diseases. Identifiers: MedGen C0950123, MeSH D030342.

Submission:

Ambry Genetics
Classification: Uncertain significance for Inborn genetic diseases. Last evaluated: 2023-03-17. Review status: criteria provided, single submitter. Criteria: Ambry Variant Classification Scheme 2023. Collection method: clinical testing. Allele origin: germline.
Comment: The p.I819M variant (also known as c.2457T>G), located in coding exon 16 of the PIK3CA gene, results from a T to G substitution at nucleotide position 2457. The isoleucine at codon 819 is replaced by methionine, an amino acid with highly similar properties. This amino acid position is conserved. In addition, the in silico prediction for this alteration is inconclusive. Since supporting evidence is limited at this time, the clinical significance of this alteration remains unclear.